The following is an entry in ClinVar:

ClinVar aggregate classification (germline): Pathogenic. Review status: criteria provided, multiple submitters, no conflicts (2 of 4 stars). 2 submissions from 2 submitters: Pathogenic (2). Last evaluated 2023-03-29.

Conditions:
CHARGE syndrome (CHARGE). Also called: Hittner Hirsch Kreh syndrome; CHARGE ASSOCIATION--COLOBOMA, HEART ANOMALY, CHOANAL ATRESIA, RETARDATION, GENITAL AND EAR ANOMALIES; Coloboma, heart anomaly, choanal atresia, retardation, genital and ear anomalies; CHARGE association; Hall-Hittner syndrome. Identifiers: Orphanet 138, MedGen C0265354, MONDO:0008965.

Submissions (2):

Labcorp Genetics (formerly Invitae), Labcorp
Classification: Pathogenic for CHARGE syndrome. Last evaluated: 2023-03-29. Review status: criteria provided, single submitter. Criteria: Invitae Variant Classification Sherloc (09022015). Collection method: clinical testing. Allele origin: germline.
Comment: This variant is not present in population databases (gnomAD no frequency). For these reasons, this variant has been classified as Pathogenic. This premature translational stop signal has been observed in individual(s) with clinical features of CHD7-related conditions (PMID: 22461308). This sequence change creates a premature translational stop signal (p.Gln136*) in the CHD7 gene. It is expected to result in an absent or disrupted protein product. Loss-of-function variants in CHD7 are known to be pathogenic (PMID: 22461308, 25077900).

Hebei Industrial Technology Research Institute of Genomics in Maternal & Child Health, BGI Genomics
Classification: Pathogenic for CHD7-related CHARGE syndrome. Review status: criteria provided, single submitter. Criteria: ACMG Guidelines, 2015. Collection method: clinical testing. Allele origin: de novo. Inheritance: Autosomal dominant inheritance. Affected: yes. Observed: 1 heterozygote.
Comment: The variant is graded as pathogenic (PVS1+PS2+PM2) referring to the ACMG criteria. It was also identified in two previous studies (PMID: 22461308 and PMID: 32625235). Besides, it is marked as disease mutation in HGMD (CM126591). However, this variant is not recorded in ClinVar. So we submit and suggest the variant to be recorded.

Literature cited by the submitters: PubMed 22461308 (cited by Labcorp Genetics (formerly Invitae), Labcorp and Hebei Industrial Technology Research Institute of Genomics in Maternal & Child Health, BGI Genomics); PubMed 25077900 (cited by Labcorp Genetics (formerly Invitae), Labcorp); PubMed 32625235 (cited by Hebei Industrial Technology Research Institute of Genomics in Maternal & Child Health, BGI Genomics).

NM_017780.4(CHD7):c.406C>T (p.Gln136Ter)

Gene: CHD7 (chromodomain helicase DNA binding protein 7; plus strand). Cytogenetic location: 8q12.2.
Variant type: single nucleotide variant.
Coding change: c.406C>T on transcript NM_017780.4 (MANE Select); coding-DNA position 406, C replaced by T.
Protein change: p.Gln136Ter; replaces glutamine 136 with a stop codon.
Molecular consequence: nonsense.
Genome position (GRCh38, 1-based): chr8:60,741,838, C>T. VCF-style: chr8-60741838-C-T. GRCh37 (hg19) VCF-style: chr8-61654397-C-T.
Other names: c.406C>T, p.Gln136Ter (NM_001316690.1); short protein forms Q136*.
Identifiers: ClinVar variation 2687730 (VCV002687730.6), dbSNP rs2487263004, ClinGen allele CA371297314.